The following is an entry in ClinVar:

ClinVar aggregate classification (germline): Uncertain significance (1 of 4 stars; one submission).

Conditions:
Combined immunodeficiency due to STIM1 deficiency. Also called: IMMUNODEFICIENCY 10; STIM1 DEFICIENCY. Identifiers: Orphanet 169090, Orphanet 317430, MedGen C2748557, MONDO:0013008, OMIM 612783.
Stormorken syndrome (STRMK). Also called: THROMBOCYTOPATHY, ASPLENIA, AND MIOSIS. Identifiers: Orphanet 3204, MedGen C1861451, MONDO:0008497, OMIM 185070.
Myopathy with tubular aggregates (TAM). Also called: Tubular Aggregate Myopathy. Identifiers: Orphanet 2593, MedGen C0410207, MONDO:0008051.

Allele frequency attached by ClinVar (database versions not stated): gnomAD 0.00001.
gnomAD v4.1: 1 of 1,613,762 alleles (0.000062%); highest among the groups gnomAD compares: Admixed American, 0.0017%; no homozygotes.

Submission:

Labcorp Genetics (formerly Invitae), Labcorp
Classification: Uncertain significance for Myopathy with tubular aggregates; Combined immunodeficiency due to STIM1 deficiency; Stormorken syndrome. Last evaluated: 2024-03-02. Review status: criteria provided, single submitter. Criteria: Invitae Variant Classification Sherloc (09022015). Collection method: clinical testing. Allele origin: germline.
Comment: This sequence change replaces threonine, which is neutral and polar, with alanine, which is neutral and non-polar, at codon 517 of the STIM1 protein (p.Thr517Ala). This variant is not present in population databases (gnomAD no frequency). This variant has not been reported in the literature in individuals affected with STIM1-related conditions. Advanced modeling of protein sequence and biophysical properties (such as structural, functional, and spatial information, amino acid conservation, physicochemical variation, residue mobility, and thermodynamic stability) performed at Invitae indicates that this missense variant is not expected to disrupt STIM1 protein function with a negative predictive value of 80%. In summary, the available evidence is currently insufficient to determine the role of this variant in disease. Therefore, it has been classified as a Variant of Uncertain Significance.

NM_001382567.1(STIM1):c.1642A>G (p.Thr548Ala)

Gene: STIM1 (stromal interaction molecule 1; plus strand). Cytogenetic location: 11p15.4.
Variant type: single nucleotide variant.
Coding change: c.1642A>G on transcript NM_001382567.1 (MANE Select); coding-DNA position 1642, A replaced by G.
Protein change: p.Thr548Ala; replaces threonine 548 with alanine.
Molecular consequence: missense variant. On other transcripts: non-coding transcript variant (3).
Genome position (GRCh38, 1-based): chr11:4,091,289, A>G. VCF-style: chr11-4091289-A-G. GRCh37 (hg19) VCF-style: chr11-4112519-A-G.
Other names: c.1867A>G, p.Thr623Ala (NM_001277961.3); c.1586A>G, p.Asp529Gly (NM_001277962.2); c.1645A>G, p.Thr549Ala (NM_001382566.1); c.1570A>G, p.Thr524Ala (NM_001382568.1); c.1414A>G, p.Thr472Ala (NM_001382569.1); c.1321A>G, p.Thr441Ala (NM_001382570.1); c.1069A>G, p.Thr357Ala (NM_001382571.1); c.1327A>G, p.Thr443Ala (NM_001382575.1, NM_001382576.1, NM_001382577.1); and 4 more; short protein forms D366G, T441A, T472A, T548A, D455G, T443A, T623A, T354A.
Identifiers: ClinVar variation 2928872 (VCV002928872.3), dbSNP rs1406003724, ClinGen allele CA379196594.